The following is an entry in ClinVar:

ClinVar aggregate classification (germline): Uncertain significance (1 of 4 stars; one submission).

Submission:

Ambry Genetics
Classification: Uncertain significance. Last evaluated: 2025-11-08. Review status: criteria provided, single submitter. Criteria: Ambry Variant Classification Scheme 2023. Collection method: clinical testing. Allele origin: germline.
Comment: The p.D1038H variant (also known as c.3112G>C), located in coding exon 12 of the CDK12 gene, results from a G to C substitution at nucleotide position 3112. The aspartic acid at codon 1038 is replaced by histidine, an amino acid with similar properties. This amino acid position is conserved. In addition, this alteration is predicted to be deleterious by in silico analysis. Based on the available evidence, the clinical significance of this variant remains unclear.

NM_016507.4(CDK12):c.3112G>C (p.Asp1038His)

Gene: CDK12 (cyclin dependent kinase 12; plus strand). Cytogenetic location: 17q12.
Variant type: single nucleotide variant.
Coding change: c.3112G>C on transcript NM_016507.4 (MANE Select); coding-DNA position 3112, G replaced by C.
Protein change: p.Asp1038His; replaces aspartic acid 1038 with histidine.
Molecular consequence: missense variant.
Genome position (GRCh38, 1-based): chr17:39,524,690, G>C. VCF-style: chr17-39524690-G-C. GRCh37 (hg19) VCF-style: chr17-37680943-G-C.
Other names: c.3112G>C, p.Asp1038His (NM_015083.4); short protein forms D1038H.
Identifiers: ClinVar variation 4651438 (VCV004651438.1).